The following is an entry in ClinVar:

NM_016628.5(WAC):c.460G>A (p.Val154Ile)

Gene: WAC (WW domain containing adaptor with coiled-coil; plus strand). Cytogenetic location: 10p12.1.
Variant type: single nucleotide variant.
Coding change: c.460G>A on transcript NM_016628.5 (MANE Select); coding-DNA position 460, G replaced by A.
Protein change: p.Val154Ile; replaces valine 154 with isoleucine.
Molecular consequence: missense variant.
Genome position (GRCh38, 1-based): chr10:28,589,814, G>A. VCF-style: chr10-28589814-G-A. GRCh37 (hg19) VCF-style: chr10-28878743-G-A.
Other names: c.325G>A, p.Val109Ile (NM_100264.3); c.460G>A, p.Val154Ile (NM_100486.4); short protein forms V109I, V154I.
Identifiers: ClinVar variation 1693036 (VCV001693036.2), dbSNP rs2132669331, ClinGen allele CA376401437.

ClinVar aggregate classification (germline): Conflicting classifications of pathogenicity. Review status: criteria provided, conflicting classifications (1 of 4 stars). 2 submissions from 2 submitters: Uncertain significance (1); Likely benign (1). Last evaluated 2022-11-24.

Conditions:
DeSanto-Shinawi syndrome due to WAC point mutation (DESSH). Also called: DEVELOPMENTAL DELAY, BEHAVIORAL ABNORMALITIES, FACIAL DYSMORPHISM, AND OCULAR ABNORMALITIES; Facial dysmorphism-developmental delay-behavioral abnormalities syndrome due to WAC point mutation; WAC-Related Intellectual Disability. Identifiers: Orphanet 284169, Orphanet 466950, MedGen C5681129, MONDO:0014741, OMIM 616708.

Submissions (2):

Laboratorio de Genetica e Diagnostico Molecular, Hospital Israelita Albert Einstein
Classification: Uncertain significance for DeSanto-Shinawi syndrome due to WAC point mutation. Last evaluated: 2022-11-24. Review status: criteria provided, single submitter. Criteria: ACMG Guidelines, 2015. Collection method: clinical testing. Allele origin: germline. Affected: yes. Observed: 1 variant allele.
Comment: ACMG classification criteria: PM2 moderated

GeneDx
Classification: Likely benign. Last evaluated: 2022-06-28. Review status: criteria provided, single submitter. Criteria: GeneDx Variant Classification Process June 2021. Collection method: clinical testing. Allele origin: germline. Affected: yes.
Comment: See Variant Classification Assertion Criteria.